The following is an entry in ClinVar:

NM_001164508.2(NEB):c.16635C>T (p.His5545=)

Gene: NEB (nebulin; minus strand). Cytogenetic location: 2q23.3.
Variant type: single nucleotide variant.
Coding change: c.16635C>T on transcript NM_001164508.2 (MANE Select); coding-DNA position 16635, C replaced by T.
Protein change: p.His5545=; no amino-acid change (histidine 5545 retained).
Molecular consequence: synonymous variant. On other transcripts: intron variant (1).
Genome position (GRCh38, 1-based): chr2:151,579,407, G>A on the plus strand (C>T on the coding strand, the complement: NEB is on the minus strand). VCF-style: chr2-151579407-G-A. GRCh37 (hg19) VCF-style: chr2-152435921-G-A.
Other names: c.16635C>T, p.His5545= (NM_001164507.2, NM_001271208.2); c.11602-3053C>T (NM_004543.5).
Identifiers: ClinVar variation 1690392 (VCV001690392.2), dbSNP rs1301114109, ClinGen allele CA429225172.

ClinVar aggregate classification (germline): Uncertain significance (1 of 4 stars; one submission).

Allele frequency attached by ClinVar (database versions not stated): gnomAD exomes below 0.00001.
gnomAD v4.1: 1 of 1,531,616 alleles (0.000065%); highest among the groups gnomAD compares: Non-Finnish European, 0.000088%; no homozygotes.

Submission:

Laboratorio de Genetica e Diagnostico Molecular, Hospital Israelita Albert Einstein
Classification: Uncertain significance. Last evaluated: 2021-06-17. Review status: criteria provided, single submitter. Criteria: ACMG Guidelines, 2015. Collection method: clinical testing. Allele origin: germline. Affected: yes.
Comment: ACMG classification criteria: PM2, BP7